The following is an entry in ClinVar:

ClinVar aggregate classification (germline): Uncertain significance (1 of 4 stars; one submission).

Conditions:
Charcot-Marie-Tooth disease axonal type 2Z. Also called: CHARCOT-MARIE-TOOTH DISEASE, AXONAL, AUTOSOMAL DOMINANT, TYPE 2Z; CHARCOT-MARIE-TOOTH NEUROPATHY, TYPE 2Z. Identifiers: Orphanet 466768, MedGen C5569025, MONDO:0014736, OMIM 616688.

gnomAD v4.1: 1 of 1,613,986 alleles (0.000062%); highest among the groups gnomAD compares: Non-Finnish European, 0.000085%; no homozygotes.

Submission:

Labcorp Genetics (formerly Invitae), Labcorp
Classification: Uncertain significance for Charcot-Marie-Tooth disease axonal type 2Z. Last evaluated: 2024-05-23. Review status: criteria provided, single submitter. Criteria: Invitae Variant Classification Sherloc (09022015). Collection method: clinical testing. Allele origin: germline.
Comment: This sequence change replaces glutamic acid, which is acidic and polar, with alanine, which is neutral and non-polar, at codon 660 of the MORC2 protein (p.Glu660Ala). This variant is present in population databases (rs776424321, gnomAD 0.006%). This variant has not been reported in the literature in individuals affected with MORC2-related conditions. Advanced modeling of protein sequence and biophysical properties (such as structural, functional, and spatial information, amino acid conservation, physicochemical variation, residue mobility, and thermodynamic stability) performed at Invitae indicates that this missense variant is not expected to disrupt MORC2 protein function with a negative predictive value of 95%. In summary, the available evidence is currently insufficient to determine the role of this variant in disease. Therefore, it has been classified as a Variant of Uncertain Significance.

NM_001303256.3(MORC2):c.1979A>C (p.Glu660Ala)

Gene: MORC2 (MORC family CW-type zinc finger 2; minus strand). Cytogenetic location: 22q12.2.
Variant type: single nucleotide variant.
Coding change: c.1979A>C on transcript NM_001303256.3 (MANE Select); coding-DNA position 1979, A replaced by C.
Protein change: p.Glu660Ala; replaces glutamic acid 660 with alanine.
Molecular consequence: missense variant.
Genome position (GRCh38, 1-based): chr22:30,934,995, T>G on the plus strand (A>C on the coding strand, the complement: MORC2 is on the minus strand). VCF-style: chr22-30934995-T-G. GRCh37 (hg19) VCF-style: chr22-31330982-T-G.
Other names: c.1979A>C, p.Glu660Ala (NM_001303257.2); c.1793A>C, p.Glu598Ala (NM_014941.3); short protein forms E660A, E598A.
Identifiers: ClinVar variation 3637770 (VCV003637770.2).
Genomic context (GRCh38, chr22:30,934,995, plus strand): 5'-GTGTTGGCAGGCTTTCGGGGTGCCTCAGGTGGCTGGAGCAGCCTAGATGTGCTGGCCTCC[T>G]CCCGGGCTGCCAAAGCAGGGAGCTTTGGGGTACTGCTGATGACAGGAGCCTTTCGGGGCT-3'
Protein context (NP_001290185.1, residues 650-670): TPKLPALAAR[Glu660Ala]EASTSRLLQP